The following is an entry in ClinVar:

NM_001290060.2(SEMA3B):c.974C>A (p.Ala325Asp)

Gene: SEMA3B (semaphorin 3B; plus strand). Cytogenetic location: 3p21.31.
Variant type: single nucleotide variant.
Coding change: c.974C>A on transcript NM_001290060.2 (MANE Select); coding-DNA position 974, C replaced by A.
Protein change: p.Ala325Asp; replaces alanine 325 with aspartic acid.
Molecular consequence: missense variant. On other transcripts: 5 prime UTR variant (2).
Genome position (GRCh38, 1-based): chr3:50,273,810, C>A. VCF-style: chr3-50273810-C-A. GRCh37 (hg19) VCF-style: chr3-50311241-C-A.
Other names: c.974C>A, p.Ala325Asp (NM_001005914.3, NM_004636.4); c.989C>A, p.Ala330Asp (NM_001290061.1); c.-53C>A (NM_001290062.2); c.-56C>A (NM_001290063.2); short protein forms A325D, A330D.
Identifiers: ClinVar variation 3351458 (VCV003351458.1).
Genomic context (GRCh38, chr3:50,273,810, plus strand): 5'-TCCCCGCAGAGGATGTGTTTCTGTTGTCCTCGCGGGACCACCGGACCCCGCTGCTCTATG[C>A]CGTCTTCTCCACGTCCAGGTGAGGGGCAGGAGGTAGGGAGCGCCCGGGGCGGGCCGCTGG-3'
Protein context (NP_001276989.1, residues 315-335): SRDHRTPLLY[Ala325Asp]VFSTSSSIFQ

ClinVar aggregate classification (germline): Uncertain significance (0 of 4 stars; one submission).

Conditions:
SEMA3B-related disorder. Also called: SEMA3B-related condition.

gnomAD v4.1: 33 of 1,582,208 alleles (0.0021%); highest among the groups gnomAD compares: Non-Finnish European, 0.0027%; no homozygotes.

Submission:

PreventionGenetics, part of Exact Sciences
Classification: Uncertain significance for SEMA3B-related condition. Last evaluated: 2024-09-05. Review status: no assertion criteria provided. Collection method: clinical testing. Allele origin: germline.
Comment: The SEMA3B c.989C>A variant is predicted to result in the amino acid substitution p.Ala330Asp. This variant is also referred as NM_001290060:c.973C>A (p.Pro325Thr). To our knowledge, this variant has not been reported in the literature. This variant is reported in 0.0038% of alleles in individuals of European (Non-Finnish) descent in gnomAD. Although we suspect that this variant may be benign, at this time, the clinical significance of this variant is uncertain due to the absence of conclusive functional and genetic evidence.